The following is an entry in ClinVar:

NM_016599.5(MYOZ2):c.196G>A (p.Asp66Asn)

Gene: MYOZ2 (myozenin 2; plus strand). Cytogenetic location: 4q26.
Variant type: single nucleotide variant.
Coding change: c.196G>A on transcript NM_016599.5 (MANE Select); coding-DNA position 196, G replaced by A.
Protein change: p.Asp66Asn; replaces aspartic acid 66 with asparagine.
Molecular consequence: missense variant.
Genome position (GRCh38, 1-based): chr4:119,150,991, G>A. VCF-style: chr4-119150991-G-A. GRCh37 (hg19) VCF-style: chr4-120072146-G-A.
Other names: c.196G>A, p.Asp66Asn (NM_001440645.1, NM_001440646.1); short protein forms D66N.
Identifiers: ClinVar variation 4860690 (VCV004860690.1).

ClinVar aggregate classification (germline): Uncertain significance (1 of 4 stars; one submission).

Conditions:
Cardiovascular phenotype. Identifiers: MedGen CN230736.

Submission:

Ambry Genetics
Classification: Uncertain significance for Cardiovascular phenotype. Last evaluated: 2026-05-03. Review status: criteria provided, single submitter. Criteria: Ambry Variant Classification Scheme 2023. Collection method: clinical testing. Allele origin: germline.
Comment: The p.D66N variant (also known as c.196G>A), located in coding exon 2 of the MYOZ2 gene, results from a G to A substitution at nucleotide position 196. The aspartic acid at codon 66 is replaced by asparagine, an amino acid with highly similar properties. This amino acid position is conserved. In addition, this alteration is predicted to be tolerated by in silico analysis. Based on the available evidence, the clinical significance of this variant remains unclear.